The following is an entry in ClinVar:

ClinVar aggregate classification (germline): Uncertain significance (1 of 4 stars; one submission).

Conditions:
TTN-related disorder. Also called: TTN-related disorders; TTN-related condition; TTN-related disease.

Submission:

PreventionGenetics, part of Exact Sciences
Classification: Uncertain significance for TTN-related condition. Last evaluated: 2026-02-17. Review status: criteria provided, single submitter. Criteria: ACMG Guidelines, 2015. Collection method: clinical testing. Allele origin: germline.
Comment: The TTN c.37756G>A variant is predicted to result in the amino acid substitution p.Ala12586Thr. To our knowledge, this variant has not been reported in the literature. This variant is reported in 0.014% of alleles in individuals of African descent in gnomAD. At this time, the clinical significance of this variant is uncertain due to the absence of conclusive functional and genetic evidence.

NM_001267550.2(TTN):c.37756G>A (p.Ala12586Thr)

Gene: TTN (titin; minus strand). Cytogenetic location: 2q31.2.
Variant type: single nucleotide variant.
Coding change: c.37756G>A on transcript NM_001267550.2 (MANE Select); coding-DNA position 37756, G replaced by A.
Protein change: p.Ala12586Thr; replaces alanine 12586 with threonine.
Molecular consequence: missense variant. On other transcripts: intron variant (5).
Genome position (GRCh38, 1-based): chr2:178,658,113, C>T on the plus strand (G>A on the coding strand, the complement: TTN is on the minus strand). VCF-style: chr2-178658113-C-T. GRCh37 (hg19) VCF-style: chr2-179522840-C-T.
Other names: c.13283-15796G>A (NM_003319.4); c.13859-15796G>A (NM_133437.4); c.13658-15796G>A (NM_133432.3); c.31741+892G>A (NM_133378.4); c.34522+892G>A (NM_001256850.1); short protein forms A12586T.
Identifiers: ClinVar variation 5001232 (VCV005001232.1).
Genomic context (GRCh38, chr2:178,658,113, plus strand): 5'-AATGAAGTCAGGGCTAAAGTGTACCTGGGACAATCGGAGCTTCTGGTTTTTTGGGTGGAG[C>T]CACGGGAATTTCTTTTTCTGCGGCTTCTTGAGGAACTTCTGGCACTTGAAAGATATTAGT-3'
Protein context (NP_001254479.2, residues 12576-12596): QEAAEKEIPV[Ala12586Thr]PPKKPEAPIV